The following is an entry in ClinVar:

ClinVar aggregate classification (germline): Uncertain significance (1 of 4 stars; one submission).

Allele frequency attached by ClinVar (database versions not stated): 1000 Genomes Project 30x 0.00016; 1000 Genomes Project 0.00020; ExAC 0.00026; gnomAD exomes 0.00026 and 0.00057; TOPMed 0.00030; ESP Exome Variant Server 0.00033; gnomAD 0.00034.
gnomAD v4.1: 895 of 1,613,544 alleles (0.055%); highest among the groups gnomAD compares: Non-Finnish European, 0.07%; 1 homozygote.

Submission:

Labcorp Genetics (formerly Invitae), Labcorp
Classification: Uncertain significance. Last evaluated: 2022-10-24. Review status: criteria provided, single submitter. Criteria: Invitae Variant Classification Sherloc (09022015). Collection method: clinical testing. Allele origin: germline.
Comment: This sequence change replaces aspartic acid, which is acidic and polar, with asparagine, which is neutral and polar, at codon 3432 of the PCLO protein (p.Asp3432Asn). This variant is present in population databases (rs202185916, gnomAD 0.05%). This variant has not been reported in the literature in individuals affected with PCLO-related conditions. ClinVar contains an entry for this variant (Variation ID: 1392228). Algorithms developed to predict the effect of missense changes on protein structure and function are either unavailable or do not agree on the potential impact of this missense change (SIFT: "Tolerated"; PolyPhen-2: "Not Available"; Align-GVGD: "Class C0"). In summary, the available evidence is currently insufficient to determine the role of this variant in disease. Therefore, it has been classified as a Variant of Uncertain Significance.

NM_033026.6(PCLO):c.10294G>A (p.Asp3432Asn)

Gene: PCLO (piccolo presynaptic cytomatrix protein; minus strand). Cytogenetic location: 7q21.11.
Variant type: single nucleotide variant.
Coding change: c.10294G>A on transcript NM_033026.6 (MANE Select); coding-DNA position 10294, G replaced by A.
Protein change: p.Asp3432Asn; replaces aspartic acid 3432 with asparagine.
Molecular consequence: missense variant.
Genome position (GRCh38, 1-based): chr7:82,950,294, C>T on the plus strand (G>A on the coding strand, the complement: PCLO is on the minus strand). VCF-style: chr7-82950294-C-T. GRCh37 (hg19) VCF-style: chr7-82579610-C-T.
Other names: c.10294G>A, p.Asp3432Asn (NM_014510.3); short protein forms D3432N.
Identifiers: ClinVar variation 1392228 (VCV001392228.3), dbSNP rs202185916, ClinGen allele CA4319763.